The following is an entry in ClinVar:

ClinVar aggregate classification (germline): Likely pathogenic. Review status: criteria provided, single submitter (1 of 4 stars). 2 submissions from 2 submitters: Likely pathogenic (1). 1 of the submissions does not count toward it. Last evaluated 2023-02-23.

Conditions:
Ciliary dyskinesia, primary, 48, without situs inversus (CILD48). Identifiers: MedGen C5774214, MONDO:0031054, OMIM 620032.

Allele frequency attached by ClinVar (database versions not stated): ExAC 0.00001; gnomAD 0.00001; gnomAD exomes 0.00001; 1000 Genomes Project 30x 0.00016; 1000 Genomes Project 0.00020.
gnomAD v4.1: 11 of 1,567,152 alleles (0.0007%); highest among the groups gnomAD compares: East Asian, 0.025%; no homozygotes.

Submissions (2):

3billion
Classification: Likely pathogenic for Ciliary dyskinesia, primary, 48, without situs inversus. Last evaluated: 2023-02-23. Review status: criteria provided, single submitter. Criteria: ACMG Guidelines, 2015. Collection method: clinical testing. Allele origin: unknown. Affected: yes.
Comment: The variant is observed at an extremely low frequency in the gnomAD v2.1.1 dataset (total allele frequency: 0.001%). This variant was predicted to result in a loss or disruption of normal protein function through protein truncation. The predicted truncated protein may be shortened by more than 10%. Therefore, this variant is classified as Likely pathogenic according to the recommendation of ACMG/AMP guideline.

OMIM
Classification: Pathogenic for CILIARY DYSKINESIA, PRIMARY, 48, WITHOUT SITUS INVERSUS. Last evaluated: 2022-09-15. Review status: no assertion criteria provided. Collection method: literature only. Allele origin: germline. Not counted in ClinVar's aggregate classification.

Literature cited by the submitters: PubMed 32185794 (cited by OMIM).

NM_003551.3(NME5):c.572G>A (p.Trp191Ter)

Gene: NME5 (NME/NM23 family member 5; minus strand). Cytogenetic location: 5q31.2.
Variant type: single nucleotide variant.
Coding change: c.572G>A on transcript NM_003551.3 (MANE Select); coding-DNA position 572, G replaced by A.
Protein change: p.Trp191Ter; replaces tryptophan 191 with a stop codon.
Molecular consequence: nonsense.
Genome position (GRCh38, 1-based): chr5:138,115,748, C>T on the plus strand (G>A on the coding strand, the complement: NME5 is on the minus strand). VCF-style: chr5-138115748-C-T. GRCh37 (hg19) VCF-style: chr5-137451437-C-T.
Other names: short protein forms W191*.
Identifiers: ClinVar variation 1705857 (VCV001705857.2), dbSNP rs182049871, ClinGen allele CA3424901.
Genomic context (GRCh38, chr5:138,115,748, plus strand): 5'-GGTTCTTCTACAATTGGATGGTGACAAAGTTTGGGTTTGTTAGGATTATTTTTCAGCAGC[C>T]AATCAGCTAGCCAAATCTATGGGAAAAAAAAAAACAACCTAAGTTAAGAAACAGTTACAT-3'